The following is an entry in ClinVar:

ClinVar aggregate classification (germline): Likely pathogenic. Review status: criteria provided, multiple submitters, no conflicts (2 of 4 stars). 3 submissions from 3 submitters: Likely pathogenic (2). 1 of the submissions does not count toward it. Last evaluated 2025-01-02.

Conditions:
Finnish congenital nephrotic syndrome (NPHS1). Also called: NEPHROTIC SYNDROME, TYPE 1. Identifiers: Orphanet 839, MedGen C0403399, MONDO:0009732, OMIM 256300.

Allele frequency attached by ClinVar (database versions not stated): TOPMed below 0.00001; gnomAD 0.00001.
gnomAD v4.1: 1 of 1,553,702 alleles (0.000064%); highest among the groups gnomAD compares: African/African-American, 0.0014%; no homozygotes.

Submissions (3):

Natera, Inc.
Classification: Likely pathogenic for Finnish congenital nephrotic syndrome. Last evaluated: 2025-01-02. Review status: criteria provided, single submitter. Criteria: Natera Variant Classification Schema (03/2026). Collection method: clinical testing. Allele origin: germline.
Comment: The c.58+1G>A variant in NPHS1 is a canonical splice donor site variant predicted to affect pre-mRNA splicing, which may result in an abnormal transcript and altered protein product. This variant is expected to result in nonsense mediated decay, truncation, or a dysfunctional protein product. This variant is rare in the general population with a frequency below the threshold expected for the associated phenotype(s). Another variant at this same site results in an alteration predicted to cause a similar molecular effect has been observed in individual(s) with the associated phenotype. Given the available evidence, this variant is classified as Likely Pathogenic.

Baylor Genetics
Classification: Likely pathogenic for Finnish congenital nephrotic syndrome. Last evaluated: 2023-01-05. Review status: criteria provided, single submitter. Criteria: ACMG Guidelines, 2015. Collection method: clinical testing. Allele origin: unknown.

Counsyl
Classification: Likely pathogenic for Finnish congenital nephrotic syndrome. Last evaluated: 2018-02-05. Review status: no assertion criteria provided. Collection method: clinical testing. Allele origin: unknown. Not counted in ClinVar's aggregate classification.

NM_004646.4(NPHS1):c.58+1G>A

Genes: KIRREL2 (kirre like nephrin family adhesion molecule 2; plus strand), NPHS1 (NPHS1 adhesion molecule, nephrin; minus strand). Cytogenetic location: 19q13.12.
Variant type: single nucleotide variant.
Coding change: c.58+1G>A on transcript NM_004646.4 (MANE Select); the canonical splice donor site of the intron after coding-DNA position 58, G replaced by A.
Molecular consequence: splice donor variant.
Genome position (GRCh38, 1-based): chr19:35,851,779, C>T on the plus strand (G>A on the coding strand, the complement: NPHS1 is on the minus strand). VCF-style: chr19-35851779-C-T. GRCh37 (hg19) VCF-style: chr19-36342681-C-T.
Identifiers: ClinVar variation 556441 (VCV000556441.4), dbSNP rs386833954, ClinGen allele CA405412543.